The following is an entry in ClinVar:

ClinVar aggregate classification (germline): Uncertain significance. Review status: criteria provided, multiple submitters, no conflicts (2 of 4 stars). 3 submissions from 3 submitters: Uncertain significance (2). 1 of the submissions does not count toward it. Last evaluated 2022-11-23.

Conditions:
Ataxia-telangiectasia syndrome (AT). Also called: Cerebello-oculocutaneous telangiectasia; Immunodeficiency with ataxia telangiectasia; AT, COMPLEMENTATION GROUP C; ATAXIA-TELANGIECTASIA, COMPLEMENTATION GROUP A; ATAXIA-TELANGIECTASIA, FRESNO VARIANT; LOUIS-BAR SYNDROME. Identifiers: Orphanet 100, MedGen C0004135, MONDO:0008840, OMIM 208900.
Hereditary cancer-predisposing syndrome. Also called: Tumor predisposition; Hereditary neoplastic syndrome; Neoplastic Syndromes, Hereditary; Hereditary Cancer Syndrome. Identifiers: Orphanet 140162, MedGen C0027672, MeSH D009386, MONDO:0015356.

Submissions (3):

Labcorp Genetics (formerly Invitae), Labcorp
Classification: Uncertain significance for Ataxia-telangiectasia syndrome. Last evaluated: 2022-11-23. Review status: criteria provided, single submitter. Criteria: Invitae Variant Classification Sherloc (09022015). Collection method: clinical testing. Allele origin: germline.
Comment: This sequence change replaces serine, which is neutral and polar, with threonine, which is neutral and polar, at codon 1816 of the ATM protein (p.Ser1816Thr). This variant is not present in population databases (gnomAD no frequency). This variant has not been reported in the literature in individuals affected with ATM-related conditions. ClinVar contains an entry for this variant (Variation ID: 1495797). Algorithms developed to predict the effect of missense changes on protein structure and function (SIFT, PolyPhen-2, Align-GVGD) all suggest that this variant is likely to be disruptive. In summary, the available evidence is currently insufficient to determine the role of this variant in disease. Therefore, it has been classified as a Variant of Uncertain Significance.

Ambry Genetics
Classification: Uncertain significance for Hereditary cancer-predisposing syndrome. Last evaluated: 2021-07-09. Review status: criteria provided, single submitter. Criteria: Ambry Variant Classification Scheme 2023. Collection method: clinical testing. Allele origin: germline.
Comment: The p.S1816T variant (also known as c.5447G>C), located in coding exon 35 of the ATM gene, results from a G to C substitution at nucleotide position 5447. The serine at codon 1816 is replaced by threonine, an amino acid with similar properties. This amino acid position is conserved. In addition, the in silico prediction for this alteration is inconclusive. Since supporting evidence is limited at this time, the clinical significance of this alteration remains unclear.

Natera, Inc.
Classification: Uncertain significance for Ataxia-telangiectasia. Last evaluated: 2025-03-16. Review status: no assertion criteria provided. Collection method: clinical testing. Allele origin: germline. Not counted in ClinVar's aggregate classification.

NM_000051.4(ATM):c.5447G>C (p.Ser1816Thr)

Gene: ATM (ATM serine/threonine kinase; plus strand). Cytogenetic location: 11q22.3.
Variant type: single nucleotide variant.
Coding change: c.5447G>C on transcript NM_000051.4 (MANE Select); coding-DNA position 5447, G replaced by C.
Protein change: p.Ser1816Thr; replaces serine 1816 with threonine.
Molecular consequence: missense variant.
Genome position (GRCh38, 1-based): chr11:108,302,980, G>C. VCF-style: chr11-108302980-G-C. GRCh37 (hg19) VCF-style: chr11-108173707-G-C.
Other names: c.5447G>C, p.Ser1816Thr (NM_001351834.2); short protein forms S1816T.
Identifiers: ClinVar variation 1495797 (VCV001495797.11), dbSNP rs2135930154, ClinGen allele CA382544194.
Genomic context (GRCh38, chr11:108,302,980, plus strand): 5'-TTCCTCTAAGTGAAAATCATGACATTTGGATAAAGACACTGACTTGTGCTTTTTTGGACA[G>C]TGGAGGCACAAAATGTGAAATTCTTCAATTATTAAAGCCAATGTGTGAAGTAAGAAGATT-3'
Protein context (NP_000042.3, residues 1806-1826): IKTLTCAFLD[Ser1816Thr]GGTKCEILQL